The following is an entry in ClinVar:

ClinVar aggregate classification (germline): Pathogenic (1 of 4 stars; one submission).

Conditions:
Dyskeratosis congenita, autosomal recessive 5 (DKCB5). Identifiers: MedGen C3554656, MONDO:0014076, OMIM 615190.
Pulmonary fibrosis and/or bone marrow failure, Telomere-related, 3. Also called: PULMONARY FIBROSIS AND/OR BONE MARROW FAILURE SYNDROME, TELOMERE-RELATED, 3. Identifiers: Orphanet 2032, MedGen C4225346, MONDO:0014613, OMIM 616373.

Submission:

Labcorp Genetics (formerly Invitae), Labcorp
Classification: Pathogenic for Dyskeratosis congenita, autosomal recessive 5; Pulmonary fibrosis and/or bone marrow failure, Telomere-related, 3. Last evaluated: 2022-06-11. Review status: criteria provided, single submitter. Criteria: Invitae Variant Classification Sherloc (09022015). Collection method: clinical testing. Allele origin: germline.
Comment: For these reasons, this variant has been classified as Pathogenic. This variant has not been reported in the literature in individuals affected with RTEL1-related conditions. This variant is not present in population databases (gnomAD no frequency). This sequence change creates a premature translational stop signal (p.Ala763Glyfs*28) in the RTEL1 gene. It is expected to result in an absent or disrupted protein product. Loss-of-function variants in RTEL1 are known to be pathogenic (PMID: 23453664, 23959892, 25607374).

Literature cited by the submitters: PubMed 23453664; PubMed 23959892; PubMed 25607374.

NM_001283009.2(RTEL1):c.2287dup (p.Ala763fs)

Genes: RTEL1 (regulator of telomere elongation helicase 1; plus strand), RTEL1-TNFRSF6B (RTEL1-TNFRSF6B readthrough (NMD candidate); plus strand). Cytogenetic location: 20q13.33.
Variant type: Duplication.
Coding change: c.2287dup on transcript NM_001283009.2 (MANE Select); coding-DNA position 2287, one base duplicated (G; older notation c.2287dupG).
Protein change: p.Ala763fs; shifts the reading frame from alanine 763.
Molecular consequence: frameshift variant. On other transcripts: non-coding transcript variant (1).
Genome position (GRCh38, 1-based): chr20:63,690,315, G duplicated; the last of 3 consecutive G bases (chr20:63,690,313-63,690,315); duplicating any one gives the same sequence. VCF-style (leftmost placement, unchanged base first): chr20-63690312-C-CG. GRCh37 (hg19) VCF-style: chr20-62321665-C-CG.
Other names: c.1618dup, p.Ala540fs (NM_001283010.1); c.2287dup, p.Ala763fs (NM_016434.4); c.2359dup, p.Ala787fs (NM_032957.5); short protein forms A787fs, A540fs, A763fs.
Identifiers: ClinVar variation 2134326 (VCV002134326.4), dbSNP rs2517140345, ClinGen allele CA2580098509.